The following is an entry in ClinVar:

NM_203290.4(POLR1C):c.322C>T (p.His108Tyr)

Gene: POLR1C (RNA polymerase I and III subunit C; plus strand). Cytogenetic location: 6p21.1.
Variant type: single nucleotide variant.
Coding change: c.322C>T on transcript NM_203290.4 (MANE Select); coding-DNA position 322, C replaced by T.
Protein change: p.His108Tyr; replaces histidine 108 with tyrosine.
Molecular consequence: missense variant.
Genome position (GRCh38, 1-based): chr6:43,519,778, C>T. VCF-style: chr6-43519778-C-T. GRCh37 (hg19) VCF-style: chr6-43487516-C-T.
Other names: c.322C>T, p.His108Tyr (NM_001318876.2, NM_001363658.2); short protein forms H108Y.
Identifiers: ClinVar variation 635142 (VCV000635142.9), dbSNP rs1015942660, ClinGen allele CA138322870.

ClinVar aggregate classification (germline): Conflicting classifications of pathogenicity. Review status: criteria provided, conflicting classifications (1 of 4 stars). 4 submissions from 4 submitters: Pathogenic (1); Likely pathogenic (2); Uncertain significance (1). Last evaluated 2024-08-13.

Conditions:
Leukodystrophy, hypomyelinating, 11. Identifiers: Orphanet 88637, MedGen C4225305, MONDO:0014666, OMIM 616494.
Treacher Collins syndrome 3 (TCS3). Also called: POLR1C-Related Treacher Collins Syndrome. Identifiers: Orphanet 861, MedGen C1855433, MONDO:0009558, OMIM 248390.

Allele frequency attached by ClinVar (database versions not stated): gnomAD exomes below 0.00001 and 0.00004; TOPMed 0.00001; gnomAD 0.00002.
gnomAD v4.1: 55 of 1,614,026 alleles (0.0034%); highest among the groups gnomAD compares: Non-Finnish European, 0.0046%; no homozygotes.

Submissions (4):

Labcorp Genetics (formerly Invitae), Labcorp
Classification: Uncertain significance. Last evaluated: 2024-08-13. Review status: criteria provided, single submitter. Criteria: Invitae Variant Classification Sherloc (09022015). Collection method: clinical testing. Allele origin: germline.
Comment: This sequence change replaces histidine, which is basic and polar, with tyrosine, which is neutral and polar, at codon 108 of the POLR1C protein (p.His108Tyr). This variant is present in population databases (no rsID available, gnomAD 0.002%). This missense change has been observed in individuals with leukodystrophy (PMID: 32042905, 33597727). ClinVar contains an entry for this variant (Variation ID: 635142). Invitae Evidence Modeling of protein sequence and biophysical properties (such as structural, functional, and spatial information, amino acid conservation, physicochemical variation, residue mobility, and thermodynamic stability) indicates that this missense variant is expected to disrupt POLR1C protein function with a positive predictive value of 80%. In summary, the available evidence is currently insufficient to determine the role of this variant in disease. Therefore, it has been classified as a Variant of Uncertain Significance.

Fulgent Genetics
Classification: Likely pathogenic for Treacher Collins syndrome 3; Leukodystrophy, hypomyelinating, 11. Last evaluated: 2024-05-13. Review status: criteria provided, single submitter. Criteria: ACMG Guidelines, 2015. Collection method: clinical testing. Allele origin: germline.

GeneDx
Classification: Likely pathogenic. Last evaluated: 2021-12-06. Review status: criteria provided, single submitter. Criteria: GeneDx Variant Classification Process June 2021. Collection method: clinical testing. Allele origin: germline. Affected: yes.
Comment: Identified with a second POLR1C variant, phase unknown, in a patient with hypomyelination on brain MRI, microcephaly, and abnormal craniofacial development in the published literature (Gauquelin et al., 2019); Not observed at significant frequency in large population cohorts (gnomAD); In silico analysis supports that this missense variant has a deleterious effect on protein structure/function; This variant is associated with the following publications: (PMID: 33597727, 32042905, 33804237)

MyeliNeuroGene Lab, McGill University Health Center Research Institute
Classification: Pathogenic for Leukodystrophy, hypomyelinating, 11. Review status: criteria provided, single submitter. Criteria: ACMG Guidelines, 2015. Collection method: research. Allele origin: inherited. Inheritance: Autosomal recessive inheritance. Affected: no.

Literature cited by the submitters: PubMed 32042905 (cited by Labcorp Genetics (formerly Invitae), Labcorp); PubMed 33597727 (cited by Labcorp Genetics (formerly Invitae), Labcorp); PubMed 610060 (cited by MyeliNeuroGene Lab, McGill University Health Center Research Institute).